The following is an entry in ClinVar:

NM_033380.3(COL4A5):c.385-638T>C

Gene: COL4A5 (collagen type IV alpha 5 chain; plus strand). Cytogenetic location: Xq22.3.
Variant type: single nucleotide variant.
Coding change: c.385-638T>C on transcript NM_033380.3 (MANE Select); 638 bases into the intron before coding-DNA position 385, T replaced by C.
Molecular consequence: intron variant.
Genome position (GRCh38, 1-based): chrX:108,570,775, T>C. VCF-style: chrX-108570775-T-C. GRCh37 (hg19) VCF-style: chrX-107814005-T-C.
Other names: c.385-638T>C (NM_000495.5).
Identifiers: ClinVar variation 4855690 (VCV004855690.1).

ClinVar aggregate classification (germline): Uncertain significance (1 of 4 stars; one submission).

Conditions:
X-linked Alport syndrome (ATS1). Also called: NEPHROPATHY AND DEAFNESS, X-LINKED; COL4A5-Related Nephropathy. Identifiers: Orphanet 63, Orphanet 88917, MedGen C4746986, MONDO:0010520, OMIM 301050.

Submission:

3billion
Classification: Uncertain significance for X-linked Alport syndrome. Last evaluated: 2025-11-19. Review status: criteria provided, single submitter. Criteria: ACMG Guidelines, 2015. Collection method: clinical testing. Allele origin: germline. Affected: yes.
Comment: The variant is not observed in the gnomAD v4.1.0 dataset. Predicted Consequence/Location: Intron variant In silico tools predict the variant to alter splicing and produce an abnormal transcript [SpliceAI: 0.37 (>=0.2, moderate evidence for spliceogenicity)]. Therefore, this variant is classified as VUS according to the recommendation of ACMG/AMP guideline.